The following is an entry in ClinVar:

NM_017780.4(CHD7):c.1556C>T (p.Pro519Leu)

Gene: CHD7 (chromodomain helicase DNA binding protein 7; plus strand). Cytogenetic location: 8q12.2.
Variant type: single nucleotide variant.
Coding change: c.1556C>T on transcript NM_017780.4 (MANE Select); coding-DNA position 1556, C replaced by T.
Protein change: p.Pro519Leu; replaces proline 519 with leucine.
Molecular consequence: missense variant.
Genome position (GRCh38, 1-based): chr8:60,742,988, C>T. VCF-style: chr8-60742988-C-T. GRCh37 (hg19) VCF-style: chr8-61655547-C-T.
Other names: c.1556C>T, p.Pro519Leu (NM_001316690.1); c.1556C>T (NM_017780.3); short protein forms P519L.
Identifiers: ClinVar variation 2912545 (VCV002912545.4), dbSNP rs1333490432, ClinGen allele CA371303439.

ClinVar aggregate classification (germline): Likely benign. Review status: criteria provided, single submitter (1 of 4 stars). 2 submissions from 2 submitters: Likely benign (1). 1 of the submissions does not count toward it. Last evaluated 2023-08-14.

Conditions:
CHD7-related disorder. Also called: CHD7-related condition.
CHARGE syndrome (CHARGE). Also called: Hittner Hirsch Kreh syndrome; CHARGE ASSOCIATION--COLOBOMA, HEART ANOMALY, CHOANAL ATRESIA, RETARDATION, GENITAL AND EAR ANOMALIES; Coloboma, heart anomaly, choanal atresia, retardation, genital and ear anomalies; CHARGE association; Hall-Hittner syndrome. Identifiers: Orphanet 138, MedGen C0265354, MONDO:0008965.

Allele frequency attached by ClinVar (database versions not stated): gnomAD exomes 0.00001.
gnomAD v4.1: 11 of 1,613,826 alleles (0.00068%); highest among the groups gnomAD compares: Non-Finnish European, 0.00093%; no homozygotes.

Submissions (2):

Labcorp Genetics (formerly Invitae), Labcorp
Classification: Likely benign for CHARGE syndrome. Last evaluated: 2023-08-14. Review status: criteria provided, single submitter. Criteria: Invitae Variant Classification Sherloc (09022015). Collection method: clinical testing. Allele origin: germline.

PreventionGenetics, part of Exact Sciences
Classification: Uncertain significance for CHD7-related condition. Last evaluated: 2024-09-10. Review status: no assertion criteria provided. Collection method: clinical testing. Allele origin: germline. Not counted in ClinVar's aggregate classification.
Comment: The CHD7 c.1556C>T variant is predicted to result in the amino acid substitution p.Pro519Leu. To our knowledge, this variant has not been reported in the literature. This variant is reported in 0.00089% of alleles in individuals of European (Non-Finnish) descent in gnomAD. At this time, the clinical significance of this variant is uncertain due to the absence of conclusive functional and genetic evidence.